The following is an entry in ClinVar:

ClinVar aggregate classification (germline): Uncertain significance (0 of 4 stars; one submission).

Conditions:
MC3R-related disorder. Also called: MC3R-related condition.

Submission:

PreventionGenetics, part of Exact Sciences
Classification: Uncertain significance for MC3R-related condition. Last evaluated: 2023-11-10. Review status: no assertion criteria provided. Collection method: clinical testing. Allele origin: germline.
Comment: The MC3R c.84C>A variant is predicted to result in the amino acid substitution p.Asn28Lys. To our knowledge, this variant has not been reported in the literature. This variant is reported in 0.029% of alleles in individuals of South Asian descent in gnomAD. At this time, the clinical significance of this variant is uncertain due to the absence of conclusive functional and genetic evidence.

NM_019888.3(MC3R):c.84C>A (p.Asn28Lys)

Gene: MC3R (melanocortin 3 receptor; plus strand). Cytogenetic location: 20q13.2.
Variant type: single nucleotide variant.
Coding change: c.84C>A on transcript NM_019888.3 (MANE Select); coding-DNA position 84, C replaced by A.
Protein change: p.Asn28Lys; replaces asparagine 28 with lysine.
Molecular consequence: missense variant.
Genome position (GRCh38, 1-based): chr20:56,248,927, C>A. VCF-style: chr20-56248927-C-A. GRCh37 (hg19) VCF-style: chr20-54823983-C-A.
Other names: short protein forms N28K.
Identifiers: ClinVar variation 3355886 (VCV003355886.1).